The following is an entry in ClinVar:

NM_001128148.3(TFRC):c.1839G>T (p.Arg613Ser)

Gene: TFRC (transferrin receptor; minus strand). Cytogenetic location: 3q29.
Variant type: single nucleotide variant.
Coding change: c.1839G>T on transcript NM_001128148.3 (MANE Select); coding-DNA position 1839, G replaced by T.
Protein change: p.Arg613Ser; replaces arginine 613 with serine.
Molecular consequence: missense variant.
Genome position (GRCh38, 1-based): chr3:196,055,140, C>A on the plus strand (G>T on the coding strand, the complement: TFRC is on the minus strand). VCF-style: chr3-196055140-C-A. GRCh37 (hg19) VCF-style: chr3-195782011-C-A.
Other names: c.1839G>T (NM_003234.2); c.1596G>T, p.Arg532Ser (NM_001313965.2); c.993G>T, p.Arg331Ser (NM_001313966.2); c.1839G>T, p.Arg613Ser (NM_003234.4); short protein forms R613S, R331S, R532S.
Identifiers: ClinVar variation 1947922 (VCV001947922.7), dbSNP rs925017138, ClinGen allele CA90743071.

ClinVar aggregate classification (germline): Uncertain significance. Review status: criteria provided, multiple submitters, no conflicts (2 of 4 stars). 2 submissions from 2 submitters: Uncertain significance (2). Last evaluated 2024-06-25.

Conditions:
Inborn genetic diseases. Identifiers: MedGen C0950123, MeSH D030342.

Allele frequency attached by ClinVar (database versions not stated): gnomAD 0.00001.
gnomAD v4.1: 5 of 1,614,052 alleles (0.00031%); highest among the groups gnomAD compares: Non-Finnish European, 0.00042%; no homozygotes.

Submissions (2):

Labcorp Genetics (formerly Invitae), Labcorp
Classification: Uncertain significance. Last evaluated: 2024-06-25. Review status: criteria provided, single submitter. Criteria: Invitae Variant Classification Sherloc (09022015). Collection method: clinical testing. Allele origin: germline.
Comment: This sequence change replaces arginine, which is basic and polar, with serine, which is neutral and polar, at codon 613 of the TFRC protein (p.Arg613Ser). This variant is present in population databases (no rsID available, gnomAD 0.0009%). This variant has not been reported in the literature in individuals affected with TFRC-related conditions. ClinVar contains an entry for this variant (Variation ID: 1947922). Advanced modeling of protein sequence and biophysical properties (such as structural, functional, and spatial information, amino acid conservation, physicochemical variation, residue mobility, and thermodynamic stability) performed at Invitae indicates that this missense variant is not expected to disrupt TFRC protein function with a negative predictive value of 80%. In summary, the available evidence is currently insufficient to determine the role of this variant in disease. Therefore, it has been classified as a Variant of Uncertain Significance.

Ambry Genetics
Classification: Uncertain significance for Inborn genetic diseases. Last evaluated: 2023-02-14. Review status: criteria provided, single submitter. Criteria: Ambry Variant Classification Scheme 2023. Collection method: clinical testing. Allele origin: germline.